The following is an entry in ClinVar:

ClinVar aggregate classification (germline): Likely benign. Review status: criteria provided, multiple submitters, no conflicts (2 of 4 stars). 4 submissions from 4 submitters: Likely benign (4). Last evaluated 2026-03-10.

Conditions:
GNB1-related disorder. Also called: GNB1-related condition.

Allele frequency attached by ClinVar (database versions not stated): TOPMed 0.00010; ExAC 0.00012; gnomAD exomes 0.00012; 1000 Genomes Project 30x 0.00016; 1000 Genomes Project 0.00020; ESP Exome Variant Server 0.00023.
gnomAD v4.1: 139 of 1,614,224 alleles (0.0086%); highest among the groups gnomAD compares: Middle Eastern, 0.016%; no homozygotes.

Submissions (4):

PreventionGenetics, part of Exact Sciences
Classification: Likely benign for GNB1-related condition. Last evaluated: 2026-03-10. Review status: criteria provided, single submitter. Criteria: ACMG Guidelines, 2015. Collection method: clinical testing. Allele origin: germline.
Comment: This variant is classified as likely benign based on ACMG/AMP sequence variant interpretation guidelines (Richards et al. 2015 PMID: 25741868, with internal and published modifications).

Labcorp Genetics (formerly Invitae), Labcorp
Classification: Likely benign. Last evaluated: 2026-01-24. Review status: criteria provided, single submitter. Criteria: Invitae Variant Classification Sherloc (09022015). Collection method: clinical testing. Allele origin: germline.

Blueprint Genetics
Classification: Likely benign. Last evaluated: 2024-03-05. Review status: criteria provided, single submitter. Criteria: ACMG Guidelines, 2015. Collection method: clinical testing. Allele origin: germline.

CeGaT Center for Human Genetics Tuebingen
Classification: Likely benign. Last evaluated: 2023-08-01. Review status: criteria provided, single submitter. Criteria: CeGaT Center For Human Genetics Tuebingen Variant Classification Criteria Version 2. Collection method: clinical testing. Allele origin: germline. Affected: yes. Observed: 2 variant alleles.
Comment: GNB1: BP4, BP7

NM_002074.5(GNB1):c.861T>C (p.Ala287=)

Gene: GNB1 (G protein subunit beta 1; minus strand). Cytogenetic location: 1p36.33.
Variant type: single nucleotide variant.
Coding change: c.861T>C on transcript NM_002074.5 (MANE Select); coding-DNA position 861, T replaced by C.
Protein change: p.Ala287=; no amino-acid change (alanine 287 retained).
Molecular consequence: synonymous variant.
Genome position (GRCh38, 1-based): chr1:1,789,108, A>G on the plus strand (T>C on the coding strand, the complement: GNB1 is on the minus strand). VCF-style: chr1-1789108-A-G. GRCh37 (hg19) VCF-style: chr1-1720547-A-G.
Other names: c.561T>C, p.Ala187= (NM_001282538.2); c.861T>C, p.Ala287= (NM_001282539.2); c.861T>C (NM_002074.4).
Identifiers: ClinVar variation 1564182 (VCV001564182.33), dbSNP rs151315046, ClinGen allele CA531926.